The following is an entry in ClinVar:

ClinVar aggregate classification (germline): Uncertain significance (1 of 4 stars; one submission).

Conditions:
Developmental and epileptic encephalopathy, 12 (DEE12). Identifiers: MedGen C3150988, MONDO:0013389, OMIM 613722.

gnomAD v4.1: 1 of 1,566,724 alleles (0.000064%); highest among the groups gnomAD compares: Non-Finnish European, 0.000086%; no homozygotes.

Submission:

Labcorp Genetics (formerly Invitae), Labcorp
Classification: Uncertain significance for Developmental and epileptic encephalopathy, 12. Last evaluated: 2020-01-21. Review status: criteria provided, single submitter. Criteria: Invitae Variant Classification Sherloc (09022015). Collection method: clinical testing. Allele origin: germline.
Comment: In summary, the available evidence is currently insufficient to determine the role of this variant in disease. Therefore, it has been classified as a Variant of Uncertain Significance. Algorithms developed to predict the effect of missense changes on protein structure and function are either unavailable or do not agree on the potential impact of this missense change (SIFT: "Deleterious"; PolyPhen-2: "Benign"; Align-GVGD: "Class C0"). This variant has not been reported in the literature in individuals with PLCB1-related conditions. This variant is not present in population databases (ExAC no frequency). This sequence change replaces proline with leucine at codon 170 of the PLCB1 protein (p.Pro170Leu). The proline residue is highly conserved and there is a moderate physicochemical difference between proline and leucine.

NM_015192.4(PLCB1):c.509C>T (p.Pro170Leu)

Gene: PLCB1 (phospholipase C beta 1; plus strand). Cytogenetic location: 20p12.3.
Variant type: single nucleotide variant.
Coding change: c.509C>T on transcript NM_015192.4 (MANE Select); coding-DNA position 509, C replaced by T.
Protein change: p.Pro170Leu; replaces proline 170 with leucine.
Molecular consequence: missense variant.
Genome position (GRCh38, 1-based): chr20:8,647,944, C>T. VCF-style: chr20-8647944-C-T. GRCh37 (hg19) VCF-style: chr20-8628591-C-T.
Other names: c.509C>T, p.Pro170Leu (NM_182734.3); short protein forms P170L.
Identifiers: ClinVar variation 1040402 (VCV001040402.11), dbSNP rs1989211414, ClinGen allele CA408262667.